The following is an entry in ClinVar:

NM_005732.4(RAD50):c.1898G>T (p.Cys633Phe)

Gene: RAD50 (RAD50 double strand break repair protein; plus strand). Cytogenetic location: 5q31.1.
Variant type: single nucleotide variant.
Coding change: c.1898G>T on transcript NM_005732.4 (MANE Select); coding-DNA position 1898, G replaced by T.
Protein change: p.Cys633Phe; replaces cysteine 633 with phenylalanine.
Molecular consequence: missense variant.
Genome position (GRCh38, 1-based): chr5:132,594,973, G>T. VCF-style: chr5-132594973-G-T. GRCh37 (hg19) VCF-style: chr5-131930665-G-T.
Other names: short protein forms C633F.
Identifiers: ClinVar variation 457390 (VCV000457390.11), dbSNP rs1252410157, ClinGen allele CA360948060.
Genomic context (GRCh38, chr5:132,594,973, plus strand): 5'-ATGAACTAAAAAGAAAGGAAGAGCAGTTGTCCAGTTACGAAGACAAGCTGTTTGATGTTT[G>T]TGGTAGCCAGGATTTTGAAAGTGATTTAGACAGGCTTAAAGAGGAAATTGAAAAATCATC-3'
Protein context (NP_005723.2, residues 623-643): SSYEDKLFDV[Cys633Phe]GSQDFESDLD

ClinVar aggregate classification (germline): Uncertain significance. Review status: criteria provided, multiple submitters, no conflicts (2 of 4 stars). 2 submissions from 2 submitters: Uncertain significance (2). Last evaluated 2022-04-10.

Conditions:
Hereditary cancer-predisposing syndrome. Also called: Neoplastic Syndromes, Hereditary; Tumor predisposition; Hereditary Cancer Syndrome; Hereditary neoplastic syndrome. Identifiers: Orphanet 140162, MedGen C0027672, MeSH D009386, MONDO:0015356.

Submissions (2):

Ambry Genetics
Classification: Uncertain significance for Hereditary cancer-predisposing syndrome. Last evaluated: 2022-04-10. Review status: criteria provided, single submitter. Criteria: Ambry Variant Classification Scheme 2023. Collection method: clinical testing. Allele origin: germline.
Comment: The p.C633F variant (also known as c.1898G>T), located in coding exon 12 of the RAD50 gene, results from a G to T substitution at nucleotide position 1898. The cysteine at codon 633 is replaced by phenylalanine, an amino acid with highly dissimilar properties. This amino acid position is conserved. In addition, the in silico prediction for this alteration is inconclusive. Since supporting evidence is limited at this time, the clinical significance of this alteration remains unclear.

Labcorp Genetics (formerly Invitae), Labcorp
Classification: Uncertain significance for Hereditary cancer-predisposing syndrome. Last evaluated: 2021-05-08. Review status: criteria provided, single submitter. Criteria: Invitae Variant Classification Sherloc (09022015). Collection method: clinical testing. Allele origin: germline.
Comment: In summary, this variant is a novel missense change with uncertain impact on protein function. It has been classified as a Variant of Uncertain Significance. Algorithms developed to predict the effect of missense changes on protein structure and function do not agree on the potential impact of this missense change (SIFT: "Deleterious"; PolyPhen-2: "Probably Damaging"; Align-GVGD: "Class C0"). This variant is not present in population databases (ExAC no frequency) and has not been reported in the literature in individuals with a RAD50-related disease. This sequence change replaces cysteine with phenylalanine at codon 633 of the RAD50 protein (p.Cys633Phe). The cysteine residue is highly conserved and there is a large physicochemical difference between cysteine and phenylalanine.